The following is an entry in ClinVar:

ClinVar aggregate classification (germline): Benign/Likely benign. Review status: criteria provided, multiple submitters, no conflicts (2 of 4 stars). 3 submissions from 3 submitters: Benign (2); Likely benign (1). Last evaluated 2025-10-22.

Conditions:
Leukodystrophy, hypomyelinating, 8, with or without oligodontia and/or hypogonadotropic hypogonadism. Also called: LEUKODYSTROPHY, HYPOMYELINATING, 8, WITH HYPODONTIA AND HYPOGONADOTROPIC HYPOGONADISM; Hypomyelinating leukodystrophy 8 with or without oligodontia and-or hypogonadotropic hypogonadism; Endosteal sclerosis-cerebellar hypoplasia syndrome. Identifiers: Orphanet 85186, Orphanet 88637, MedGen C3280644, MONDO:0013722, OMIM 614381.
Charcot-Marie-Tooth disease, demyelinating, IIA 1I. Also called: Charcot-Marie-Tooth disease, demyelinating, type 1I; CHARCOT-MARIE-TOOTH NEUROPATHY, TYPE 1I. Identifiers: MedGen C5676914, MONDO:0030677, OMIM 619742.
Leukodystrophy, hypomyelinating, 7, with or without oligodontia and/or hypogonadotropic hypogonadism (HLD7). Also called: Ataxia, Delayed Dentition and Hypomyelination (ADDH); LEUKOENCEPHALOPATHY, HYPOMYELINATING, WITH ATAXIA AND DELAYED DENTITION; ATAXIA, DELAYED DENTITION, AND HYPOMYELINATION; LEUKODYSTROPHY, HYPOMYELINATING, 7, WITH OLIGODONTIA; LEUKODYSTROPHY, HYPOMYELINATING, 7, WITH OLIGODONTIA AND HYPOGONADOTROPIC HYPOGONADISM; LEUKODYSTROPHY, HYPOMYELINATING, 7, WITHOUT OLIGODONTIA OR HYPOGONADOTROPIC HYPOGONADISM. Identifiers: Orphanet 137639, Orphanet 447893, Orphanet 447896, Orphanet 77295, Orphanet 88637, MedGen CN034185, MONDO:0011897, OMIM 607694.

Allele frequency attached by ClinVar (database versions not stated): gnomAD 0.00081 and 0.00108; 1000 Genomes Project 0.00479; ESP Exome Variant Server 0.00031; gnomAD exomes 0.00103 and 0.00223; TOPMed 0.00158; 1000 Genomes Project 30x 0.00453; ExAC 0.00210.
gnomAD v4.1: 1,685 of 1,614,234 alleles (0.1%); highest among the groups gnomAD compares: East Asian, 2.7%; 23 homozygotes.

Submissions (3):

Labcorp Genetics (formerly Invitae), Labcorp
Classification: Benign. Last evaluated: 2025-10-22. Review status: criteria provided, single submitter. Criteria: Invitae Variant Classification Sherloc (09022015). Collection method: clinical testing. Allele origin: germline.

Fulgent Genetics
Classification: Likely benign for Leukodystrophy, hypomyelinating, 7, with or without oligodontia and/or hypogonadotropic hypogonadism; Leukodystrophy, hypomyelinating, 8, with or without oligodontia and/or hypogonadotropic hypogonadism; Charcot-Marie-Tooth disease, demyelinating, IIA 1I. Last evaluated: 2021-12-21. Review status: criteria provided, single submitter. Criteria: ACMG Guidelines, 2015. Collection method: clinical testing. Allele origin: unknown.

Illumina Laboratory Services, Illumina
Classification: Benign for Leukodystrophy, hypomyelinating, 8, with or without oligodontia and/or hypogonadotropic hypogonadism. Last evaluated: 2018-01-12. Review status: criteria provided, single submitter. Criteria: ICSL Variant Classification Criteria 13 December 2019. Collection method: clinical testing. Allele origin: germline.
Comment: This variant was observed in the ICSL laboratory as part of a predisposition screen in an ostensibly healthy population. It had not been previously curated by ICSL or reported in the Human Gene Mutation Database (HGMD: prior to June 1st, 2018), and was therefore a candidate for classification through an automated scoring system. Utilizing variant allele frequency, disease prevalence and penetrance estimates, and inheritance mode, an automated score was calculated to assess if this variant is too frequent to cause the disease. Based on the score and internal cut-off values, a variant classified as benign is not then subjected to further curation. The score for this variant resulted in a classification of benign for this disease.

NM_018082.6(POLR3B):c.773A>C (p.Glu258Ala)

Gene: POLR3B (RNA polymerase III subunit B; plus strand). Cytogenetic location: 12q23.3.
Variant type: single nucleotide variant.
Coding change: c.773A>C on transcript NM_018082.6 (MANE Select); coding-DNA position 773, A replaced by C.
Protein change: p.Glu258Ala; replaces glutamic acid 258 with alanine.
Molecular consequence: missense variant.
Genome position (GRCh38, 1-based): chr12:106,393,080, A>C. VCF-style: chr12-106393080-A-C. GRCh37 (hg19) VCF-style: chr12-106786858-A-C.
Other names: c.599A>C, p.Glu200Ala (NM_001160708.2); short protein forms E258A, E200A.
Identifiers: ClinVar variation 306930 (VCV000306930.13), dbSNP rs117911920, ClinGen allele CA6761786.